The following is an entry in ClinVar:

ClinVar aggregate classification (germline): Likely benign (1 of 4 stars; one submission).

Submission:

CeGaT Center for Human Genetics Tuebingen
Classification: Likely benign. Last evaluated: 2025-06-01. Review status: criteria provided, single submitter. Criteria: CeGaT Center For Human Genetics Tuebingen Variant Classification Criteria Version 2. Collection method: clinical testing. Allele origin: germline. Affected: yes. Observed: 1 variant allele.
Comment: FPR2: PM2:Supporting, BP4, BP7

NM_001005738.2(FPR2):c.1041G>A (p.Glu347=)

Gene: FPR2 (formyl peptide receptor 2; plus strand). Cytogenetic location: 19q13.41.
Variant type: single nucleotide variant.
Coding change: c.1041G>A on transcript NM_001005738.2 (MANE Select); coding-DNA position 1041, G replaced by A.
Protein change: p.Glu347=; no amino-acid change (glutamic acid 347 retained).
Molecular consequence: synonymous variant.
Genome position (GRCh38, 1-based): chr19:51,769,699, G>A. VCF-style: chr19-51769699-G-A. GRCh37 (hg19) VCF-style: chr19-52272952-G-A.
Other names: c.1041G>A, p.Glu347= (NM_001462.3).
Identifiers: ClinVar variation 4084615 (VCV004084615.8).